The following is an entry in ClinVar:

ClinVar aggregate classification (germline): Uncertain significance (1 of 4 stars; one submission).

Allele frequency attached by ClinVar (database versions not stated): ExAC 0.00001; gnomAD 0.00001; gnomAD exomes 0.00001; TOPMed 0.00001; ESP Exome Variant Server 0.00008.
gnomAD v4.1: 25 of 1,614,006 alleles (0.0015%); highest among the groups gnomAD compares: Non-Finnish European, 0.0019%; no homozygotes.

Submission:

Labcorp Genetics (formerly Invitae), Labcorp
Classification: Uncertain significance. Last evaluated: 2021-08-19. Review status: criteria provided, single submitter. Criteria: Invitae Variant Classification Sherloc (09022015). Collection method: clinical testing. Allele origin: germline.
Comment: In summary, the available evidence is currently insufficient to determine the role of this variant in disease. Therefore, it has been classified as a Variant of Uncertain Significance. Algorithms developed to predict the effect of missense changes on protein structure and function output the following: SIFT: "Tolerated"; PolyPhen-2: "Benign"; Align-GVGD: "Class C0". The lysine amino acid residue is found in multiple mammalian species, which suggests that this missense change does not adversely affect protein function. This variant has not been reported in the literature in individuals affected with C6-related conditions. This variant is present in population databases (rs141740354, ExAC 0.001%). This sequence change replaces glutamic acid with lysine at codon 821 of the C6 protein (p.Glu821Lys). The glutamic acid residue is moderately conserved and there is a small physicochemical difference between glutamic acid and lysine.

NM_000065.5(C6):c.2461G>A (p.Glu821Lys)

Gene: C6 (complement C6; minus strand). Cytogenetic location: 5p13.1.
Variant type: single nucleotide variant.
Coding change: c.2461G>A on transcript NM_000065.5 (MANE Select); coding-DNA position 2461, G replaced by A.
Protein change: p.Glu821Lys; replaces glutamic acid 821 with lysine.
Molecular consequence: missense variant.
Genome position (GRCh38, 1-based): chr5:41,149,403, C>T on the plus strand (G>A on the coding strand, the complement: C6 is on the minus strand). VCF-style: chr5-41149403-C-T. GRCh37 (hg19) VCF-style: chr5-41149505-C-T.
Other names: c.2461G>A, p.Glu821Lys (NM_001115131.4); short protein forms E821K.
Identifiers: ClinVar variation 1424707 (VCV001424707.6), dbSNP rs141740354, ClinGen allele CA3252106.